The following is an entry in ClinVar:

NM_004655.4(AXIN2):c.1305G>A (p.Pro435=)

Gene: AXIN2 (axin 2; minus strand). Cytogenetic location: 17q24.1.
Variant type: single nucleotide variant.
Coding change: c.1305G>A on transcript NM_004655.4 (MANE Select); coding-DNA position 1305, G replaced by A.
Protein change: p.Pro435=; no amino-acid change (proline 435 retained).
Molecular consequence: synonymous variant.
Genome position (GRCh38, 1-based): chr17:65,537,731, C>T on the plus strand (G>A on the coding strand, the complement: AXIN2 is on the minus strand). VCF-style: chr17-65537731-C-T. GRCh37 (hg19) VCF-style: chr17-63533849-C-T.
Other names: p.P435P:CCG>CCA; c.1305G>A, p.Pro435= (NM_001363813.1); c.1305G>A (LRG_296t1).
Identifiers: ClinVar variation 136479 (VCV000136479.55), dbSNP rs369221405, ClinGen allele CA289629.

ClinVar aggregate classification (germline): Benign/Likely benign. Review status: criteria provided, multiple submitters, no conflicts (2 of 4 stars). 14 submissions from 14 submitters: Benign (4); Likely benign (6). 4 of the submissions do not count toward it. Last evaluated 2026-03-01.

Conditions:
AXIN2-related disorder.
Hereditary cancer-predisposing syndrome. Also called: Tumor predisposition; Hereditary neoplastic syndrome; Hereditary Cancer Syndrome; Neoplastic Syndromes, Hereditary. Identifiers: Orphanet 140162, MedGen C0027672, MeSH D009386, MONDO:0015356.
Oligodontia-cancer predisposition syndrome. Also called: TOOTH AGENESIS-COLORECTAL CANCER SYNDROME. Identifiers: Orphanet 300576, MedGen C1837750, MONDO:0012075, OMIM 608615. Disease mechanism: loss of function.

Allele frequency attached by ClinVar (database versions not stated): gnomAD exomes 0.00008; TOPMed 0.00011; ExAC 0.00013; gnomAD 0.00013 and 0.00014; ESP Exome Variant Server 0.00016.
gnomAD v4.1: 244 of 1,563,944 alleles (0.016%); highest among the groups gnomAD compares: Non-Finnish European, 0.02%; no homozygotes.

Submissions (14):

CeGaT Center for Human Genetics Tuebingen
Classification: Likely benign. Last evaluated: 2026-03-01. Review status: criteria provided, single submitter. Criteria: CeGaT Center For Human Genetics Tuebingen Variant Classification Criteria Version 2. Collection method: clinical testing. Allele origin: germline. Affected: yes. Observed: 3 variant alleles.
Comment: AXIN2: BP4, BP7

Labcorp Genetics (formerly Invitae), Labcorp
Classification: Likely benign for Oligodontia-cancer predisposition syndrome. Last evaluated: 2026-01-26. Review status: criteria provided, single submitter. Criteria: Invitae Variant Classification Sherloc (09022015). Collection method: clinical testing. Allele origin: germline.

Center for Genomic Medicine, Rigshospitalet, Copenhagen University Hospital
Classification: Likely benign. Last evaluated: 2025-03-04. Review status: criteria provided, single submitter. Criteria: ACMG Guidelines, 2015. Collection method: clinical testing. Allele origin: germline.

Myriad Genetics, Inc.
Classification: Benign for Oligodontia-cancer predisposition syndrome. Last evaluated: 2024-07-02. Review status: criteria provided, single submitter. Criteria: Myriad Autosomal Dominant, Autosomal Recessive and X-Linked Classification Criteria (2023). Collection method: clinical testing. Allele origin: unknown.
Comment: This variant is considered benign. This variant is a silent/synonymous amino acid change and it is not expected to impact splicing.

Women's Health and Genetics/Laboratory Corporation of America, LabCorp
Classification: Likely benign. Last evaluated: 2024-02-02. Review status: criteria provided, single submitter. Criteria: LabCorp Variant Classification Summary - May 2015. Collection method: clinical testing. Allele origin: germline.

Blueprint Genetics
Classification: Likely benign. Last evaluated: 2023-07-12. Review status: criteria provided, single submitter. Criteria: ACMG Guidelines, 2015. Collection method: clinical testing. Allele origin: germline.

Quest Diagnostics Nichols Institute San Juan Capistrano
Classification: Benign. Last evaluated: 2023-06-24. Review status: criteria provided, single submitter. Criteria: Quest Diagnostics criteria. Collection method: clinical testing. Allele origin: unknown.

Sema4
Classification: Benign for Hereditary cancer-predisposing syndrome. Last evaluated: 2020-12-16. Review status: criteria provided, single submitter. Criteria: Sema4 Curation Guidelines. Collection method: curation. Allele origin: germline.

Ambry Genetics
Classification: Likely benign for Hereditary cancer-predisposing syndrome. Last evaluated: 2019-04-01. Review status: criteria provided, single submitter. Criteria: Ambry Variant Classification Scheme 2023. Collection method: clinical testing. Allele origin: germline.

GeneDx
Classification: Benign. Last evaluated: 2013-10-14. Review status: criteria provided, single submitter. Criteria: GeneDx Variant Classification (06012015). Collection method: clinical testing. Allele origin: germline. Affected: yes.
Comment: This variant is considered likely benign or benign based on one or more of the following criteria: it is a conservative change, it occurs at a poorly conserved position in the protein, it is predicted to be benign by multiple in silico algorithms, and/or has population frequency not consistent with disease.

PreventionGenetics, part of Exact Sciences
Classification: Likely benign for AXIN2-related condition. Last evaluated: 2023-04-05. Review status: no assertion criteria provided. Collection method: clinical testing. Allele origin: germline. Not counted in ClinVar's aggregate classification.
Comment: This variant is classified as likely benign based on ACMG/AMP sequence variant interpretation guidelines (Richards et al. 2015 PMID: 25741868, with internal and published modifications).

Clinical Genetics, Academic Medical Center
Classification: Likely benign. Review status: no assertion criteria provided. Collection method: clinical testing. Allele origin: germline. Affected: yes. Study: VKGL Data-share Consensus. Not counted in ClinVar's aggregate classification.

Genome Diagnostics Laboratory, Amsterdam University Medical Center
Classification: Likely benign. Review status: no assertion criteria provided. Collection method: clinical testing. Allele origin: germline. Affected: yes. Study: VKGL Data-share Consensus. Not counted in ClinVar's aggregate classification.

Laboratory of Diagnostic Genome Analysis, Leiden University Medical Center (LUMC)
Classification: Likely benign. Review status: no assertion criteria provided. Collection method: clinical testing. Allele origin: germline. Affected: yes. Study: VKGL Data-share Consensus. Not counted in ClinVar's aggregate classification.